The following is an entry in ClinVar:

NM_001440.4(EXTL3):c.1420G>A (p.Asp474Asn)

Gene: EXTL3 (exostosin like glycosyltransferase 3; plus strand). Cytogenetic location: 8p21.1.
Variant type: single nucleotide variant.
Coding change: c.1420G>A on transcript NM_001440.4 (MANE Select); coding-DNA position 1420, G replaced by A.
Protein change: p.Asp474Asn; replaces aspartic acid 474 with asparagine.
Molecular consequence: missense variant.
Genome position (GRCh38, 1-based): chr8:28,717,479, G>A. VCF-style: chr8-28717479-G-A. GRCh37 (hg19) VCF-style: chr8-28574996-G-A.
Other names: short protein forms D474N.
Identifiers: ClinVar variation 2855671 (VCV002855671.3), dbSNP rs2486628324, ClinGen allele CA370859485.

ClinVar aggregate classification (germline): Uncertain significance (1 of 4 stars; one submission).

gnomAD v4.1: 1 of 1,614,230 alleles (0.000062%); highest among the groups gnomAD compares: Non-Finnish European, 0.000085%; no homozygotes.

Submission:

Labcorp Genetics (formerly Invitae), Labcorp
Classification: Uncertain significance. Last evaluated: 2023-04-12. Review status: criteria provided, single submitter. Criteria: Invitae Variant Classification Sherloc (09022015). Collection method: clinical testing. Allele origin: germline.
Comment: This sequence change replaces aspartic acid, which is acidic and polar, with asparagine, which is neutral and polar, at codon 474 of the EXTL3 protein (p.Asp474Asn). This variant is not present in population databases (gnomAD no frequency). This variant has not been reported in the literature in individuals affected with EXTL3-related conditions. Advanced modeling of protein sequence and biophysical properties (such as structural, functional, and spatial information, amino acid conservation, physicochemical variation, residue mobility, and thermodynamic stability) performed at Invitae indicates that this missense variant is not expected to disrupt EXTL3 protein function. In summary, the available evidence is currently insufficient to determine the role of this variant in disease. Therefore, it has been classified as a Variant of Uncertain Significance.